The following is an entry in ClinVar:

ClinVar aggregate classification (germline): Uncertain significance (1 of 4 stars; one submission).

Conditions:
Amyotrophic lateral sclerosis type 21. Also called: VOCAL CORD AND PHARYNGEAL DYSFUNCTION WITH DISTAL MYOPATHY; MYOPATHY, DISTAL, 2. Identifiers: Orphanet 600, Orphanet 803, MedGen C3807521, MONDO:0011632, OMIM 606070.

Allele frequency attached by ClinVar (database versions not stated): gnomAD exomes below 0.00001.
gnomAD v4.1: 3 of 1,614,200 alleles (0.00019%); highest among the groups gnomAD compares: East Asian, 0.0067%; no homozygotes.

Submission:

Labcorp Genetics (formerly Invitae), Labcorp
Classification: Uncertain significance for Amyotrophic lateral sclerosis type 21. Last evaluated: 2022-09-01. Review status: criteria provided, single submitter. Criteria: Invitae Variant Classification Sherloc (09022015). Collection method: clinical testing. Allele origin: germline.
Comment: In summary, the available evidence is currently insufficient to determine the role of this variant in disease. Therefore, it has been classified as a Variant of Uncertain Significance. Algorithms developed to predict the effect of missense changes on protein structure and function (SIFT, PolyPhen-2, Align-GVGD) all suggest that this variant is likely to be tolerated. This variant has not been reported in the literature in individuals affected with MATR3-related conditions. This variant is not present in population databases (gnomAD no frequency). This sequence change replaces glutamic acid, which is acidic and polar, with aspartic acid, which is acidic and polar, at codon 626 of the MATR3 protein (p.Glu626Asp).

NM_018834.6(MATR3):c.1878A>T (p.Glu626Asp)

Genes: MATR3 (matrin 3; plus strand), LOC126807526 (CDK7 strongly-dependent group 2 enhancer GRCh37_chr5:138657767-138658966; plus strand). Cytogenetic location: 5q31.2.
Variant type: single nucleotide variant.
Coding change: c.1878A>T on transcript NM_018834.6 (MANE Select); coding-DNA position 1878, A replaced by T.
Protein change: p.Glu626Asp; replaces glutamic acid 626 with aspartic acid.
Molecular consequence: missense variant.
Genome position (GRCh38, 1-based): chr5:139,322,697, A>T. VCF-style: chr5-139322697-A-T. GRCh37 (hg19) VCF-style: chr5-138658386-A-T.
Other names: c.1878A>T, p.Glu626Asp (NM_001194954.2, NM_001194955.2, NM_001400441.1 and 16 more transcripts); c.1014A>T, p.Glu338Asp (NM_001194956.2); c.864A>T, p.Glu288Asp (NM_001282278.2, NM_001400460.1, NM_001400462.1 and 5 more transcripts); c.1017A>T, p.Glu339Asp (NM_001400459.1); c.978A>T, p.Glu326Asp (NM_001400461.1); short protein forms E338D, E288D, E326D, E339D, E626D.
Identifiers: ClinVar variation 1981136 (VCV001981136.4), dbSNP rs987998193, ClinGen allele CA128238164.